The following is an entry in ClinVar:

NM_004369.4(COL6A3):c.3569C>A (p.Thr1190Asn)

Gene: COL6A3 (collagen type VI alpha 3 chain; minus strand). Cytogenetic location: 2q37.3.
Variant type: single nucleotide variant.
Coding change: c.3569C>A on transcript NM_004369.4 (MANE Select); coding-DNA position 3569, C replaced by A.
Protein change: p.Thr1190Asn; replaces threonine 1190 with asparagine.
Molecular consequence: missense variant.
Genome position (GRCh38, 1-based): chr2:237,374,522, G>T on the plus strand (C>A on the coding strand, the complement: COL6A3 is on the minus strand). VCF-style: chr2-237374522-G-T. GRCh37 (hg19) VCF-style: chr2-238283165-G-T.
Other names: c.2348C>A, p.Thr783Asn (NM_057164.5); c.2951C>A, p.Thr984Asn (NM_057165.5, NM_057167.4); c.1748C>A, p.Thr583Asn (NM_057166.5); short protein forms T1190N, T984N, T583N, T783N.
Identifiers: ClinVar variation 288082 (VCV000288082.8), dbSNP rs369994205, ClinGen allele CA10605965.
Genomic context (GRCh38, chr2:237,374,522, plus strand): 5'-CGGGTGAGCTGGGTCACCCTCTCAGAGATGACCTGTTGGACGGTCCCCAGCTGGCGAAAG[G>T]TGGGAATGGCCACGGCAAAGTCCGGGATGAAGGAGATGGTCTGCATCTCTGTGATGTCAG-3'
Protein context (NP_004360.2, residues 1180-1200): FIPDFAVAIP[Thr1190Asn]FRQLGTVQQV

ClinVar aggregate classification (germline): Uncertain significance. Review status: criteria provided, multiple submitters, no conflicts (2 of 4 stars). 2 submissions from 2 submitters: Uncertain significance (2). Last evaluated 2025-04-10.

Conditions:
Bethlem myopathy 1A. Also called: Bethlem Muscular Dystrophy; MYOPATHY, BENIGN CONGENITAL, WITH CONTRACTURES; Bethlem myopathy 1. Identifiers: Orphanet 610, MedGen CN029274, MONDO:0024530, OMIM 158810.

Allele frequency attached by ClinVar (database versions not stated): TOPMed below 0.00001; gnomAD 0.00001; gnomAD exomes 0.00001; ESP Exome Variant Server 0.00008.
gnomAD v4.1: 4 of 1,614,102 alleles (0.00025%); highest among the groups gnomAD compares: Non-Finnish European, 0.00034%; no homozygotes.

Submissions (2):

Labcorp Genetics (formerly Invitae), Labcorp
Classification: Uncertain significance for Bethlem myopathy 1A. Last evaluated: 2025-04-10. Review status: criteria provided, single submitter. Criteria: Invitae Variant Classification Sherloc (09022015). Collection method: clinical testing. Allele origin: germline.
Comment: This sequence change replaces threonine, which is neutral and polar, with asparagine, which is neutral and polar, at codon 1190 of the COL6A3 protein (p.Thr1190Asn). This variant is present in population databases (rs369994205, gnomAD 0.003%). This variant has not been reported in the literature in individuals affected with COL6A3-related conditions. ClinVar contains an entry for this variant (Variation ID: 288082). Invitae Evidence Modeling of protein sequence and biophysical properties (such as structural, functional, and spatial information, amino acid conservation, physicochemical variation, residue mobility, and thermodynamic stability) indicates that this missense variant is not expected to disrupt COL6A3 protein function with a negative predictive value of 80%. In summary, the available evidence is currently insufficient to determine the role of this variant in disease. Therefore, it has been classified as a Variant of Uncertain Significance.

Eurofins Ntd Llc (ga)
Classification: Uncertain significance. Last evaluated: 2017-07-10. Review status: criteria provided, single submitter. Criteria: EGL Classification Definitions 2015. Collection method: clinical testing. Allele origin: germline. Observed: 3 variant alleles, 3 heterozygotes.